The following is an entry in ClinVar:

NM_004586.3(RPS6KA3):c.846-2A>G

Gene: RPS6KA3 (ribosomal protein S6 kinase A3; minus strand). Cytogenetic location: Xp22.12.
Variant type: single nucleotide variant.
Coding change: c.846-2A>G on transcript NM_004586.3 (MANE Select); the canonical splice acceptor site of the intron before coding-DNA position 846, A replaced by G.
Molecular consequence: splice acceptor variant.
Genome position (GRCh38, 1-based): chrX:20,177,086, T>C on the plus strand (A>G on the coding strand, the complement: RPS6KA3 is on the minus strand). VCF-style: chrX-20177086-T-C. GRCh37 (hg19) VCF-style: chrX-20195204-T-C.
Identifiers: ClinVar variation 1690390 (VCV001690390.2), dbSNP rs2148665223, ClinGen allele CA412518434.

ClinVar aggregate classification (germline): Likely pathogenic (1 of 4 stars; one submission).

Submission:

Laboratorio de Genetica e Diagnostico Molecular, Hospital Israelita Albert Einstein
Classification: Likely pathogenic. Last evaluated: 2021-06-16. Review status: criteria provided, single submitter. Criteria: ACMG Guidelines, 2015. Collection method: clinical testing. Allele origin: germline. Affected: yes.
Comment: ACMG classification criteria: PVS1, PM2